The following is an entry in ClinVar:

ClinVar aggregate classification (germline): Pathogenic (1 of 4 stars; one submission).

Submission:

Labcorp Genetics (formerly Invitae), Labcorp
Classification: Pathogenic. Last evaluated: 2025-07-13. Review status: criteria provided, single submitter. Criteria: Invitae Variant Classification Sherloc (09022015). Collection method: clinical testing. Allele origin: germline.
Comment: This sequence change creates a premature translational stop signal (p.Glu605*) in the LZTR1 gene. It is expected to result in an absent or disrupted protein product. Loss-of-function variants in LZTR1 are known to be pathogenic (PMID: 24362817, 25335493, 25480913, 25795793, 29469822, 30368668, 30442762, 30442766, 30481304, 30859559). This variant is not present in population databases (gnomAD no frequency). This variant has not been reported in the literature in individuals affected with LZTR1-related conditions. Algorithms developed to predict the effect of sequence changes on RNA splicing suggest that this variant may create or strengthen a splice site. For these reasons, this variant has been classified as Pathogenic.

Literature cited by the submitters: PubMed 24362817; PubMed 25335493; PubMed 25480913; PubMed 25795793; PubMed 29469822; PubMed 30368668; PubMed 30442762; PubMed 30442766; PubMed 30481304; PubMed 30859559.

NM_006767.4(LZTR1):c.1813G>T (p.Glu605Ter)

Gene: LZTR1 (leucine zipper like post translational regulator 1; plus strand). Cytogenetic location: 22q11.21.
Variant type: single nucleotide variant.
Coding change: c.1813G>T on transcript NM_006767.4 (MANE Select); coding-DNA position 1813, G replaced by T.
Protein change: p.Glu605Ter; replaces glutamic acid 605 with a stop codon.
Molecular consequence: nonsense.
Genome position (GRCh38, 1-based): chr22:20,994,897, G>T. VCF-style: chr22-20994897-G-T. GRCh37 (hg19) VCF-style: chr22-21349186-G-T.
Other names: short protein forms E605*.
Identifiers: ClinVar variation 4764322 (VCV004764322.1).
Genomic context (GRCh38, chr22:20,994,897, plus strand): 5'-CTCTGCCTGCCTGCCTGTGCCTGTCTGCCCCAGGAGCACTGCCTGAACTTCGTGGTAAAG[G>T]AGTCCCACTTCAACCAGGTGATCATGATGAAGGAGTTCGAGCGCCTCTCCTCTCCACTGA-3'